The following is an entry in ClinVar:

ClinVar aggregate classification (germline): Conflicting classifications of pathogenicity. Review status: criteria provided, conflicting classifications (1 of 4 stars). 5 submissions from 5 submitters: Uncertain significance (3); Likely benign (2). Last evaluated 2025-08-26.

Conditions:
Hereditary cancer-predisposing syndrome. Also called: Hereditary Cancer Syndrome; Hereditary neoplastic syndrome; Neoplastic Syndromes, Hereditary; Tumor predisposition. Identifiers: Orphanet 140162, MedGen C0027672, MeSH D009386, MONDO:0015356.
Lynch syndrome 5 (LYNCH5). Also called: Hereditary non-polyposis colorectal cancer, type 5; Colorectal cancer, hereditary nonpolyposis, type 5. Identifiers: Orphanet 144, MedGen C1833477, MONDO:0013710, OMIM 614350. Disease mechanism: loss of function.
Lynch syndrome. Identifiers: Orphanet 144, MedGen C4552100, MONDO:0005835. Disease mechanism: loss of function.

Allele frequency attached by ClinVar (database versions not stated): gnomAD exomes below 0.00001.

Submissions (5):

Myriad Genetics, Inc.
Classification: Likely benign for Lynch syndrome 5. Last evaluated: 2025-08-26. Review status: criteria provided, single submitter. Criteria: Myriad Autosomal Dominant, Autosomal Recessive and X-Linked Classification Criteria (2023). Collection method: clinical testing. Allele origin: unknown.
Comment: This variant is considered likely benign. Homozygosity for this variant has been confirmed in one or more individuals lacking clinical features consistent with gene-specific recessive disease, indicating that this variant is unlikely to be pathogenic.

Color Diagnostics, LLC DBA Color Health
Classification: Uncertain significance for Hereditary cancer-predisposing syndrome. Last evaluated: 2025-06-11. Review status: criteria provided, single submitter. Criteria: ACMG Guidelines, 2015. Collection method: clinical testing. Allele origin: germline.
Comment: This variant causes a T to C nucleotide substitution at the -1 position of the 5' untranslated region of the MSH6 gene. To our knowledge, RNA studies have not been reported for this variant. This variant has not been reported in individuals affected with MSH6-related disorders in the literature. This variant has not been identified in the general population by the Genome Aggregation Database (gnomAD). The available evidence is insufficient to determine the role of this variant in disease conclusively. Therefore, this variant is classified as a Variant of Uncertain Significance.

All of Us Research Program, National Institutes of Health
Classification: Uncertain significance for Lynch syndrome. Last evaluated: 2023-06-26. Review status: criteria provided, single submitter. Criteria: ACMG Guidelines, 2015. Collection method: clinical testing. Allele origin: germline. Inheritance: Autosomal dominant inheritance. Observed: 1 variant allele, 1 heterozygote.
Comment: This variant causes a T to C nucleotide substitution at the -1 position in the 5' untranslated region in the MSH6 gene. Splice site prediction tools suggest that this variant may not impact RNA splicing. To our knowledge, functional studies have not been reported for this variant. This variant has not been reported in individuals affected with MSH6-related disorders in the literature. This variant has not been identified in the general population by the Genome Aggregation Database (gnomAD). The available evidence is insufficient to determine the role of this variant in disease conclusively. Therefore, this variant is classified as a Variant of Uncertain Significance.

This study involves interpretation of variants in research participants for the purpose of population health screening. Participant phenotype was not available at the time of variant classification. Additional details can be found in publication PMID: 35346344, PMCID: PMC8962531

Ambry Genetics
Classification: Uncertain significance for Hereditary cancer-predisposing syndrome. Last evaluated: 2019-07-24. Review status: criteria provided, single submitter. Criteria: Ambry Variant Classification Scheme 2023. Collection method: clinical testing. Allele origin: germline.
Comment: The c.-1T>C variant is located in the 5' untranslated region (5&rsquo; UTR) of the MSH6 gene. This variant results from a T to C substitution 1 base upstream from the first translated codon. This nucleotide position is not well conserved in available vertebrate species. Since supporting evidence is limited at this time, the clinical significance of this alteration remains unclear.

GeneDx
Classification: Likely benign. Last evaluated: 2016-05-09. Review status: criteria provided, single submitter. Criteria: GeneDx Variant Classification (06012015). Collection method: clinical testing. Allele origin: germline. Affected: yes.
Comment: This variant is considered likely benign or benign based on one or more of the following criteria: it is a conservative change, it occurs at a poorly conserved position in the protein, it is predicted to be benign by multiple in silico algorithms, and/or has population frequency not consistent with disease.

NM_000179.3(MSH6):c.-1T>C

Gene: MSH6 (mutS homolog 6; plus strand). Cytogenetic location: 2p16.3.
Variant type: single nucleotide variant.
Coding change: c.-1T>C on transcript NM_000179.3 (MANE Select); 1 bases upstream of the start codon, T replaced by C.
Molecular consequence: 5 prime UTR variant. On other transcripts: non-coding transcript variant (5), splice donor variant (5).
Genome position (GRCh38, 1-based): chr2:47,783,233, T>C. VCF-style: chr2-47783233-T-C. GRCh37 (hg19) VCF-style: chr2-48010372-T-C.
Other names: c.-1T>C (NM_001281492.2, NM_001406795.1, NM_001406796.1 and 9 more transcripts); c.-737T>C (NM_001281493.2, NM_001406811.1); c.-329T>C (NM_001406799.1); c.-56T>C (NM_001406804.1); c.-929T>C (NM_001406807.1); c.-584T>C (NM_001406812.1); c.-995T>C (NM_001406814.1); c.-540T>C (NM_001406816.1); and 3 more.
Identifiers: ClinVar variation 386038 (VCV000386038.10), dbSNP rs1057522403, ClinGen allele CA16604564.